The following is an entry in ClinVar:

ClinVar aggregate classification (germline): Uncertain significance (1 of 4 stars; one submission).

Submission:

Labcorp Genetics (formerly Invitae), Labcorp
Classification: Uncertain significance. Last evaluated: 2023-10-05. Review status: criteria provided, single submitter. Criteria: Invitae Variant Classification Sherloc (09022015). Collection method: clinical testing. Allele origin: germline.
Comment: This sequence change replaces glycine, which is neutral and non-polar, with arginine, which is basic and polar, at codon 62 of the NSD1 protein (p.Gly62Arg). This variant is not present in population databases (gnomAD no frequency). This variant has not been reported in the literature in individuals affected with NSD1-related conditions. Advanced modeling of protein sequence and biophysical properties (such as structural, functional, and spatial information, amino acid conservation, physicochemical variation, residue mobility, and thermodynamic stability) has been performed at Invitae for this missense variant, however the output from this modeling did not meet the statistical confidence thresholds required to predict the impact of this variant on NSD1 protein function. In summary, the available evidence is currently insufficient to determine the role of this variant in disease. Therefore, it has been classified as a Variant of Uncertain Significance.

NM_022455.5(NSD1):c.184G>A (p.Gly62Arg)

Gene: NSD1 (nuclear receptor binding SET domain protein 1; plus strand). Cytogenetic location: 5q35.3.
Variant type: single nucleotide variant.
Coding change: c.184G>A on transcript NM_022455.5 (MANE Select); coding-DNA position 184, G replaced by A.
Protein change: p.Gly62Arg; replaces glycine 62 with arginine.
Molecular consequence: missense variant. On other transcripts: intron variant (7).
Genome position (GRCh38, 1-based): chr5:177,135,287, G>A. VCF-style: chr5-177135287-G-A. GRCh37 (hg19) VCF-style: chr5-176562288-G-A.
Other names: c.184G>A, p.Gly62Arg (NM_001409301.1, NM_001409302.1, NM_001409303.1 and 1 more transcripts); c.-37+87G>A (NM_001409305.1, NM_001409306.1, NM_001409308.1 and 4 more transcripts); short protein forms G62R.
Identifiers: ClinVar variation 3673076 (VCV003673076.2).